The following is an entry in ClinVar:

NM_002358.4(MAD2L1):c.30A>C (p.Gly10=)

Gene: MAD2L1 (mitotic arrest deficient 2 like 1; minus strand). Cytogenetic location: 4q27.
Variant type: single nucleotide variant.
Coding change: c.30A>C on transcript NM_002358.4 (MANE Select); coding-DNA position 30, A replaced by C.
Protein change: p.Gly10=; no amino-acid change (glycine 10 retained).
Molecular consequence: synonymous variant.
Genome position (GRCh38, 1-based): chr4:120,066,705, T>G on the plus strand (A>C on the coding strand, the complement: MAD2L1 is on the minus strand). VCF-style: chr4-120066705-T-G. GRCh37 (hg19) VCF-style: chr4-120987860-T-G.
Identifiers: ClinVar variation 2655058 (VCV002655058.24), dbSNP rs1347231065, ClinGen allele CA441066941.
Genomic context (GRCh38, chr4:120,066,705, plus strand): 5'-CCTGCGCGAGAACTTACAGAAGAACTCGGCCACGATTTCGGCGCTCCCGCGCAGGGTGAT[T>G]CCCTGCTCCCGGGAGAGCTGCAGCGCCATGGCCAGGGACACAAACAAAAGCACGCGCTTC-3'
Protein context (NP_002349.1, residues 1-20): MALQLSREQ[Gly10=]ITLRGSAEIV

ClinVar aggregate classification (germline): Likely benign (1 of 4 stars; one submission).

Submission:

CeGaT Center for Human Genetics Tuebingen
Classification: Likely benign. Last evaluated: 2022-11-01. Review status: criteria provided, single submitter. Criteria: CeGaT Center For Human Genetics Tuebingen Variant Classification Criteria Version 2. Collection method: clinical testing. Allele origin: germline. Affected: yes. Observed: 1 variant allele.
Comment: MAD2L1: BP4, BP7